The following is an entry in ClinVar:

ClinVar aggregate classification (germline): Pathogenic (1 of 4 stars; one submission).

Conditions:
Glycogen storage disease, type II (IOPD). Also called: CARDIOMEGALIA GLYCOGENICA DIFFUSA; GLYCOGENOSIS, GENERALIZED, CARDIAC FORM; GSD II; Glycogen storage disease type 2; Acid maltase deficiency disease; Aglucosidase alfa. Identifiers: Orphanet 365, MedGen C0017921, MONDO:0009290, OMIM 232300.

Submission:

Myriad Genetics, Inc.
Classification: Pathogenic for Glycogen storage disease, type II. Last evaluated: 2023-08-18. Review status: criteria provided, single submitter. Criteria: Myriad Autosomal Dominant, Autosomal Recessive and X-Linked Classification Criteria (2023). Collection method: clinical testing. Allele origin: unknown.
Comment: NM_000152.3(GAA):c.1697_1698dupCC(T567Pfs*12) is expected to be pathogenic in the context of Pompe disease. This variant is predicted to lead to an abnormal or absent protein product due to the creation of a premature termination codon in GAA, a gene where loss-of-function variants are known to be pathogenic. Please note: this variant was assessed in the context of healthy population screening.

NM_000152.5(GAA):c.1697_1698dup (p.Thr567fs)

Gene: GAA (alpha glucosidase; plus strand). Cytogenetic location: 17q25.3.
Variant type: Duplication.
Coding change: c.1697_1698dup on transcript NM_000152.5 (MANE Select); coding-DNA positions 1697 to 1698, 2 bases duplicated (CC; older notation c.1697_1698dupCC).
Protein change: p.Thr567fs; shifts the reading frame from threonine 567.
Molecular consequence: frameshift variant.
Genome position (GRCh38, 1-based): chr17:80,112,043-80,112,044, CC duplicated. VCF-style (leftmost placement, unchanged base first): chr17-80112042-T-TCC. GRCh37 (hg19) VCF-style: chr17-78085841-T-TCC.
Other names: c.1697_1698dup, p.Thr567fs (NM_001079803.3, NM_001079804.3, NM_001406741.1 and 1 more transcripts); short protein forms T567fs.
Identifiers: ClinVar variation 5011390 (VCV005011390.1).